The following is an entry in ClinVar:

ClinVar aggregate classification (germline): Uncertain significance. Review status: criteria provided, multiple submitters, no conflicts (2 of 4 stars). 3 submissions from 3 submitters: Uncertain significance (3). Last evaluated 2025-08-14.

Conditions:
Hereditary cancer-predisposing syndrome. Also called: Hereditary neoplastic syndrome; Neoplastic Syndromes, Hereditary; Tumor predisposition; Hereditary Cancer Syndrome. Identifiers: Orphanet 140162, MedGen C0027672, MeSH D009386, MONDO:0015356.
Tuberous sclerosis 2 (TSC2). Identifiers: Orphanet 805, MedGen C1860707, MONDO:0013199, OMIM 613254.
Tuberous sclerosis syndrome (TSC). Also called: Tuberous Sclerosis Complex; Tuberous sclerosis. Identifiers: Orphanet 805, MedGen C0041341, MONDO:0001734.

Submissions (3):

Labcorp Genetics (formerly Invitae), Labcorp
Classification: Uncertain significance for Tuberous sclerosis 2. Last evaluated: 2025-08-14. Review status: criteria provided, single submitter. Criteria: Invitae Variant Classification Sherloc (09022015). Collection method: clinical testing. Allele origin: germline.
Comment: This sequence change replaces glycine, which is neutral and non-polar, with arginine, which is basic and polar, at codon 1787 of the TSC2 protein (p.Gly1787Arg). This variant is not present in population databases (gnomAD no frequency). This variant has not been reported in the literature in individuals affected with TSC2-related conditions. ClinVar contains an entry for this variant (Variation ID: 3075067). Invitae Evidence Modeling of protein sequence and biophysical properties (such as structural, functional, and spatial information, amino acid conservation, physicochemical variation, residue mobility, and thermodynamic stability) indicates that this missense variant is not expected to disrupt TSC2 protein function with a negative predictive value of 95%. In summary, the available evidence is currently insufficient to determine the role of this variant in disease. Therefore, it has been classified as a Variant of Uncertain Significance.

All of Us Research Program, National Institutes of Health
Classification: Uncertain significance for Tuberous sclerosis syndrome. Last evaluated: 2023-12-18. Review status: criteria provided, single submitter. Criteria: ACMG Guidelines, 2015. Collection method: clinical testing. Allele origin: germline. Inheritance: Autosomal dominant inheritance. Observed: 1 variant allele, 1 heterozygote.
Comment: This missense variant replaces glycine with arginine at codon 1787 of the TSC2 protein. Computational prediction is inconclusive regarding the impact of this variant on protein structure and function (internally defined REVEL score threshold 0.5 < inconclusive < 0.7, PMID: 27666373). To our knowledge, functional studies have not been reported for this variant. This variant has not been reported in individuals affected with TSC2-related disorders in the literature. This variant has not been identified in the general population by the Genome Aggregation Database (gnomAD). The available evidence is insufficient to determine the role of this variant in disease conclusively. Therefore, this variant is classified as a Variant of Uncertain Significance.

This study involves interpretation of variants in research participants for the purpose of population health screening. Participant phenotype was not available at the time of variant classification. Additional details can be found in publication PMID: 35346344, PMCID: PMC8962531

Ambry Genetics
Classification: Uncertain significance for Hereditary cancer-predisposing syndrome. Last evaluated: 2023-11-06. Review status: criteria provided, single submitter. Criteria: Ambry Variant Classification Scheme 2023. Collection method: clinical testing. Allele origin: germline.
Comment: The p.G1787R variant (also known as c.5359G>C), located in coding exon 41 of the TSC2 gene, results from a G to C substitution at nucleotide position 5359. The glycine at codon 1787 is replaced by arginine, an amino acid with dissimilar properties. This amino acid position is conserved. In addition, the in silico prediction for this alteration is inconclusive. Since supporting evidence is limited at this time, the clinical significance of this alteration remains unclear.

NM_000548.5(TSC2):c.5359G>C (p.Gly1787Arg)

Gene: TSC2 (TSC complex subunit 2; plus strand). Cytogenetic location: 16p13.3.
Variant type: single nucleotide variant.
Coding change: c.5359G>C on transcript NM_000548.5 (MANE Select); coding-DNA position 5359, G replaced by C.
Protein change: p.Gly1787Arg; replaces glycine 1787 with arginine.
Molecular consequence: missense variant. On other transcripts: non-coding transcript variant (5).
Genome position (GRCh38, 1-based): chr16:2,088,545, G>C. VCF-style: chr16-2088545-G-C. GRCh37 (hg19) VCF-style: chr16-2138546-G-C.
Other names: c.5158G>C, p.Gly1720Arg (NM_001077183.3); c.5290G>C, p.Gly1764Arg (NM_001114382.3); c.5050G>C, p.Gly1684Arg (NM_001318827.2); c.5014G>C, p.Gly1672Arg (NM_001318829.2); c.4627G>C, p.Gly1543Arg (NM_001318831.2); c.5191G>C, p.Gly1731Arg (NM_001318832.2); c.5161G>C, p.Gly1721Arg (NM_001363528.2); c.5227G>C, p.Gly1743Arg (NM_001370404.1); and 27 more; short protein forms G1186R, G1272R, G1273R, G1295R, G1296R, G1316R, G1520R, G1521R.
Identifiers: ClinVar variation 3075067 (VCV003075067.3), dbSNP rs45517419, ClinGen allele CA394315814.
Genomic context (GRCh38, chr16:2,088,545, plus strand): 5'-CTGGTGCACCCTCCGTCCCATAGCAAAGCCCCTGCACAGACTCCAGCCGAGCCCACACCT[G>C]GCTATGAGGTGGGCCAGCGGAAGCGCCTCATCTCCTCGGTGGAGGACTTCACCGAGTTTG-3'
Protein context (NP_000539.2, residues 1777-1797): PAQTPAEPTP[Gly1787Arg]YEVGQRKRLI